The following is an entry in ClinVar:

NC_000003.11:g.(?_69058895)_(69061253_?)del

Gene: EOGT (EGF domain specific O-linked N-acetylglucosamine transferase; minus strand). Cytogenetic location: 3p14.1.
Variant type: Deletion.
Identifiers: ClinVar variation 3246930 (VCV003246930.1).

ClinVar aggregate classification (germline): Pathogenic (1 of 4 stars; one submission).

Conditions:
Adams-Oliver syndrome 4 (AOS4). Identifiers: Orphanet 974, MedGen C3809092, MONDO:0014124, OMIM 615297.

Submission:

Labcorp Genetics (formerly Invitae), Labcorp
Classification: Pathogenic for Adams-Oliver syndrome 4. Last evaluated: 2022-11-29. Review status: criteria provided, single submitter. Criteria: Invitae Variant Classification Sherloc (09022015). Collection method: clinical testing. Allele origin: unknown.
Comment: For these reasons, this variant has been classified as Pathogenic. This variant has not been reported in the literature in individuals affected with EOGT-related conditions. This variant results in the deletion of exon 3 and part of exon 4 of the EOGT gene. It is expected to result in an absent or disrupted protein product. Loss-of-function variants in EOGT are known to be pathogenic (PMID: 23522784, 23860037).

Literature cited by the submitters: PubMed 23522784; PubMed 23860037.